The following is an entry in ClinVar:

ClinVar aggregate classification (germline): Likely benign (1 of 4 stars; one submission).

Allele frequency attached by ClinVar (database versions not stated): ExAC 0.00001; 1000 Genomes Project 0.00026; 1000 Genomes Project 30x 0.00042.
gnomAD v4.1: 19 of 1,210,316 alleles (0.0016%); highest among the groups gnomAD compares: Admixed American, 0.0022%; no homozygotes.

Submission:

CeGaT Center for Human Genetics Tuebingen
Classification: Likely benign. Last evaluated: 2022-10-01. Review status: criteria provided, single submitter. Criteria: CeGaT Center For Human Genetics Tuebingen Variant Classification Criteria Version 2. Collection method: clinical testing. Allele origin: germline. Affected: yes. Observed: 1 variant allele.
Comment: ZBTB33: BP4, BP7

NM_001184742.2(ZBTB33):c.105C>T (p.Thr35=)

Genes: TMEM255A (transmembrane protein 255A; minus strand), ZBTB33 (zinc finger and BTB domain containing 33; plus strand). Cytogenetic location: Xq24.
Variant type: single nucleotide variant.
Coding change: c.105C>T on transcript NM_001184742.2 (MANE Select); coding-DNA position 105, C replaced by T.
Protein change: p.Thr35=; no amino-acid change (threonine 35 retained).
Molecular consequence: synonymous variant.
Genome position (GRCh38, 1-based): chrX:120,253,520, C>T. VCF-style: chrX-120253520-C-T. GRCh37 (hg19) VCF-style: chrX-119387375-C-T.
Other names: c.105C>T, p.Thr35= (NM_006777.4).
Identifiers: ClinVar variation 2661319 (VCV002661319.24), dbSNP rs782124010, ClinGen allele CA10504352.
Genomic context (GRCh38, chrX:120,253,520, plus strand): 5'-TGGCAGTCTGCTGAACTCCTTGAATGAGCAACGTGGCCATGGACTCTTCTGTGATGTTAC[C>T]GTTATTGTGGAAGACCGAAAATTCCGGGCTCACAAGAATATTCTTTCAGCTTCTAGTACC-3'
Protein context (NP_001171671.1, residues 25-45): QRGHGLFCDV[Thr35=]VIVEDRKFRA